The following is an entry in ClinVar:

NM_206937.2(LIG4):c.2536C>T (p.Arg846Trp)

Gene: LIG4 (DNA ligase 4; minus strand). Cytogenetic location: 13q33.3.
Variant type: single nucleotide variant.
Coding change: c.2536C>T on transcript NM_206937.2 (MANE Select); coding-DNA position 2536, C replaced by T.
Protein change: p.Arg846Trp; replaces arginine 846 with tryptophan.
Molecular consequence: missense variant.
Genome position (GRCh38, 1-based): chr13:108,208,733, G>A on the plus strand (C>T on the coding strand, the complement: LIG4 is on the minus strand). VCF-style: chr13-108208733-G-A. GRCh37 (hg19) VCF-style: chr13-108861081-G-A.
Other names: c.2536C>T, p.Arg846Trp (NM_001098268.2, NM_001352598.2, NM_001352599.2 and 6 more transcripts); c.2335C>T, p.Arg779Trp (NM_001330595.2); c.2572C>T, p.Arg858Trp (NM_001352604.2); short protein forms R846W, R779W, R858W.
Identifiers: ClinVar variation 4741079 (VCV004741079.1).

ClinVar aggregate classification (germline): Uncertain significance (1 of 4 stars; one submission).

Conditions:
DNA ligase IV deficiency. Identifiers: Orphanet 99812, MedGen C1847827, MONDO:0011686, OMIM 606593.

gnomAD v4.1: 5 of 1,614,006 alleles (0.00031%); highest among the groups gnomAD compares: Non-Finnish European, 0.00034%; no homozygotes.

Submission:

Labcorp Genetics (formerly Invitae), Labcorp
Classification: Uncertain significance for DNA ligase IV deficiency. Last evaluated: 2025-10-26. Review status: criteria provided, single submitter. Criteria: Invitae Variant Classification Sherloc (09022015). Collection method: clinical testing. Allele origin: germline.
Comment: This sequence change replaces arginine, which is basic and polar, with tryptophan, which is neutral and slightly polar, at codon 846 of the LIG4 protein (p.Arg846Trp). This variant is present in population databases (rs778998772, gnomAD 0.002%). This missense change has been observed in individual(s) with primary immunodeficiency (PMID: 33225392). Invitae Evidence Modeling of protein sequence and biophysical properties (such as structural, functional, and spatial information, amino acid conservation, physicochemical variation, residue mobility, and thermodynamic stability) has been performed for this missense variant. However, the output from this modeling did not meet the statistical confidence thresholds required to predict the impact of this variant on LIG4 protein function. In summary, the available evidence is currently insufficient to determine the role of this variant in disease. Therefore, it has been classified as a Variant of Uncertain Significance.

Literature cited by the submitters: PubMed 33225392.